The following is an entry in ClinVar:

ClinVar aggregate classification (germline): Conflicting classifications of pathogenicity. Review status: criteria provided, conflicting classifications (1 of 4 stars). 5 submissions from 5 submitters: Uncertain significance (4); Likely benign (1). Last evaluated 2025-07-21.

Conditions:
Hereditary breast ovarian cancer syndrome. Also called: Hereditary breast and ovarian cancer syndrome (HBOC); Hereditary breast and ovarian cancer syndrome; Breast and ovarian cancer; Hereditary breast and/or ovarian cancer syndrome; Hereditary breast and ovarian cancer; BRCA1- and BRCA2-Associated Hereditary Breast and Ovarian Cancer. Identifiers: Orphanet 145, MedGen C0677776, MeSH D061325, MONDO:0003582. Disease mechanism: loss of function.
Hereditary cancer-predisposing syndrome. Also called: Neoplastic Syndromes, Hereditary; Hereditary Cancer Syndrome; Hereditary neoplastic syndrome; Tumor predisposition. Identifiers: Orphanet 140162, MedGen C0027672, MeSH D009386, MONDO:0015356.

Allele frequency attached by ClinVar (database versions not stated): gnomAD exomes below 0.00001.
gnomAD v4.1: 4 of 1,603,902 alleles (0.00025%); highest among the groups gnomAD compares: Non-Finnish European, 0.00025%; no homozygotes.

Submissions (5):

Labcorp Genetics (formerly Invitae), Labcorp
Classification: Uncertain significance for Hereditary breast ovarian cancer syndrome. Last evaluated: 2025-07-21. Review status: criteria provided, single submitter. Criteria: Invitae Variant Classification Sherloc (09022015). Collection method: clinical testing. Allele origin: germline.
Comment: This sequence change replaces aspartic acid, which is acidic and polar, with asparagine, which is neutral and polar, at codon 1386 of the BRCA2 protein (p.Asp1386Asn). This variant is not present in population databases (gnomAD no frequency). This variant has not been reported in the literature in individuals affected with BRCA2-related conditions. ClinVar contains an entry for this variant (Variation ID: 462328). Invitae Evidence Modeling of protein sequence and biophysical properties (such as structural, functional, and spatial information, amino acid conservation, physicochemical variation, residue mobility, and thermodynamic stability) indicates that this missense variant is not expected to disrupt BRCA2 protein function with a negative predictive value of 95%. In summary, the available evidence is currently insufficient to determine the role of this variant in disease. Therefore, it has been classified as a Variant of Uncertain Significance.

Ambry Genetics
Classification: Uncertain significance for Hereditary cancer-predisposing syndrome. Last evaluated: 2023-10-17. Review status: criteria provided, single submitter. Criteria: Ambry Variant Classification Scheme 2023. Collection method: clinical testing. Allele origin: germline.
Comment: The p.D1386N variant (also known as c.4156G>A), located in coding exon 10 of the BRCA2 gene, results from a G to A substitution at nucleotide position 4156. The aspartic acid at codon 1386 is replaced by asparagine, an amino acid with highly similar properties. This amino acid position is well conserved in available vertebrate species. In addition, this alteration is predicted to be tolerated by in silico analysis. Since supporting evidence is limited at this time, the clinical significance of this alteration remains unclear.

GeneDx
Classification: Uncertain significance. Last evaluated: 2023-07-20. Review status: criteria provided, single submitter. Criteria: GeneDx Variant Classification Process June 2021. Collection method: clinical testing. Allele origin: germline. Affected: yes.
Comment: Not observed at significant frequency in large population cohorts (gnomAD); In silico analysis supports that this missense variant has a deleterious effect on protein structure/function; Has not been previously published as pathogenic or benign to our knowledge; Also known as 4384G>A; This variant is associated with the following publications: (PMID: 31911673, 18059333)

University of Washington Department of Laboratory Medicine, University of Washington
Classification: Likely benign for Hereditary cancer-predisposing syndrome. Last evaluated: 2023-03-23. Review status: criteria provided, single submitter. Criteria: Dines et al. (Genet Med. 2020). Collection method: curation. Allele origin: germline.
Comment: Missense variant in a coldspot region where missense variants are very unlikely to be pathogenic (PMID:31911673).

BRCA2 exon 11 coldspot. Reclassification based on statistical prior probability.

Color Diagnostics, LLC DBA Color Health
Classification: Uncertain significance for Hereditary cancer-predisposing syndrome. Last evaluated: 2019-11-08. Review status: criteria provided, single submitter. Criteria: ACMG Guidelines, 2015. Collection method: clinical testing. Allele origin: germline.
Comment: This missense variant replaces aspartic acid with asparagine at codon 1386 of the BRCA2 protein. Computational prediction is inconclusive regarding the impact of this variant on protein structure and function (internally defined REVEL score threshold 0.5 < inconclusive < 0.7, PMID: 27666373). Splice site prediction tools suggest that this variant may not impact RNA splicing. To our knowledge, functional studies have not been performed for this variant. This variant has not been reported in individuals affected with hereditary cancer in the literature. This variant has not been identified in the general population by the Genome Aggregation Database (gnomAD). The available evidence is insufficient to determine the role of this variant in disease conclusively. Therefore, this variant is classified as a Variant of Uncertain Significance.

NM_000059.4(BRCA2):c.4156G>A (p.Asp1386Asn)

Gene: BRCA2 (BRCA2 DNA repair associated; plus strand). Cytogenetic location: 13q13.1.
Variant type: single nucleotide variant.
Coding change: c.4156G>A on transcript NM_000059.4 (MANE Select); coding-DNA position 4156, G replaced by A.
Protein change: p.Asp1386Asn; replaces aspartic acid 1386 with asparagine.
Molecular consequence: missense variant.
Genome position (GRCh38, 1-based): chr13:32,338,511, G>A. VCF-style: chr13-32338511-G-A. GRCh37 (hg19) VCF-style: chr13-32912648-G-A.
Other names: short protein forms D1386N.
Identifiers: ClinVar variation 462328 (VCV000462328.18), dbSNP rs1555283600, ClinGen allele CA387780015.